The following is an entry in ClinVar:

NM_002529.4(NTRK1):c.1068C>T (p.Asn356=)

Gene: NTRK1 (neurotrophic receptor tyrosine kinase 1; plus strand). Cytogenetic location: 1q23.1.
Variant type: single nucleotide variant.
Coding change: c.1068C>T on transcript NM_002529.4 (MANE Select); coding-DNA position 1068, C replaced by T.
Protein change: p.Asn356=; no amino-acid change (asparagine 356 retained).
Molecular consequence: synonymous variant.
Genome position (GRCh38, 1-based): chr1:156,873,850, C>T. VCF-style: chr1-156873850-C-T. GRCh37 (hg19) VCF-style: chr1-156843642-C-T.
Other names: p.Asn356=; c.978C>T, p.Asn326= (NM_001007792.1); c.1068C>T, p.Asn356= (NM_001012331.2).
Identifiers: ClinVar variation 384787 (VCV000384787.67), dbSNP rs145823996, ClinGen allele CA1169178.

ClinVar aggregate classification (germline): Conflicting classifications of pathogenicity. Review status: criteria provided, conflicting classifications (1 of 4 stars). 11 submissions from 11 submitters: Uncertain significance (1); Benign (2); Likely benign (7). 1 of the submissions does not count toward it. Last evaluated 2026-01-20.

Conditions:
Inborn genetic diseases. Identifiers: MedGen C0950123, MeSH D030342.
Hereditary insensitivity to pain with anhidrosis (CIPA). Also called: hereditary sensory and autonomic neuropathy type 4; INSENSITIVITY TO PAIN, CONGENITAL, WITH ANHIDROSIS; HSAN Type IV; NTRK1 Congenital Insensitivity to Pain with Anhidrosis; NEUROPATHY, CONGENITAL SENSORY, WITH ANHIDROSIS; FAMILIAL DYSAUTONOMIA, TYPE II. Identifiers: Orphanet 642, MedGen C0020074, MONDO:0009746, OMIM 256800.
NTRK1-related disorder. Also called: NTRK1-related condition.

Allele frequency attached by ClinVar (database versions not stated): gnomAD 0.00029; ExAC 0.00030; gnomAD exomes 0.00030 and 0.00024; ESP Exome Variant Server 0.00015; TOPMed 0.00023.
gnomAD v4.1: 471 of 1,609,474 alleles (0.029%); highest among the groups gnomAD compares: Non-Finnish European, 0.037%; no homozygotes.

Submissions (11):

Labcorp Genetics (formerly Invitae), Labcorp
Classification: Likely benign for Hereditary insensitivity to pain with anhidrosis. Last evaluated: 2026-01-20. Review status: criteria provided, single submitter. Criteria: Invitae Variant Classification Sherloc (09022015). Collection method: clinical testing. Allele origin: germline.

Mayo Clinic Laboratories, Mayo Clinic
Classification: Likely benign. Last evaluated: 2025-05-20. Review status: criteria provided, single submitter. Criteria: ACMG Guidelines, 2015. Collection method: clinical testing. Allele origin: germline. Observed: 2 variant alleles.
Comment: BP4, BP7

KCCC/NGS Laboratory, Kuwait Cancer Control Center
Classification: Benign for Hereditary insensitivity to pain with anhidrosis. Last evaluated: 2025-02-01. Review status: criteria provided, single submitter. Criteria: ACMG Guidelines, 2015. Collection method: clinical testing. Allele origin: germline. Affected: no.

Blueprint Genetics
Classification: Likely benign. Last evaluated: 2024-11-20. Review status: criteria provided, single submitter. Criteria: ACMG Guidelines, 2015. Collection method: clinical testing. Allele origin: germline.

CeGaT Center for Human Genetics Tuebingen
Classification: Likely benign. Last evaluated: 2024-07-01. Review status: criteria provided, single submitter. Criteria: CeGaT Center For Human Genetics Tuebingen Variant Classification Criteria Version 2. Collection method: clinical testing. Allele origin: germline. Affected: yes. Observed: 5 variant alleles.
Comment: NTRK1: BP4, BP7

Athena Diagnostics
Classification: Benign. Last evaluated: 2024-06-06. Review status: criteria provided, single submitter. Criteria: Athena Diagnostics Criteria. Collection method: clinical testing. Allele origin: unknown.

ARUP Laboratories, Molecular Genetics and Genomics, ARUP Laboratories
Classification: Likely benign for Hereditary insensitivity to pain with anhidrosis. Last evaluated: 2024-03-22. Review status: criteria provided, single submitter. Criteria: ARUP Molecular Germline Variant Investigation Process 2024. Collection method: clinical testing. Allele origin: germline.

Ambry Genetics
Classification: Likely benign for Inborn genetic diseases. Last evaluated: 2019-07-11. Review status: criteria provided, single submitter. Criteria: Ambry Variant Classification Scheme 2023. Collection method: clinical testing. Allele origin: germline.

GeneDx
Classification: Likely benign. Last evaluated: 2018-01-30. Review status: criteria provided, single submitter. Criteria: GeneDx Variant Classification (06012015). Collection method: clinical testing. Allele origin: germline. Affected: yes.
Comment: This variant is considered likely benign or benign based on one or more of the following criteria: it is a conservative change, it occurs at a poorly conserved position in the protein, it is predicted to be benign by multiple in silico algorithms, and/or has population frequency not consistent with disease.

Illumina Laboratory Services, Illumina
Classification: Uncertain significance for Hereditary insensitivity to pain with anhidrosis. Last evaluated: 2018-01-12. Review status: criteria provided, single submitter. Criteria: ICSL Variant Classification Criteria 13 December 2019. Collection method: clinical testing. Allele origin: germline.

PreventionGenetics, part of Exact Sciences
Classification: Likely benign for NTRK1-related condition. Last evaluated: 2019-02-26. Review status: no assertion criteria provided. Collection method: clinical testing. Allele origin: germline. Not counted in ClinVar's aggregate classification.
Comment: This variant is classified as likely benign based on ACMG/AMP sequence variant interpretation guidelines (Richards et al. 2015 PMID: 25741868, with internal and published modifications).